The following is an entry in ClinVar:

NM_001243133.2(NLRP3):c.3006-2A>G

Gene: NLRP3 (NLR family pyrin domain containing 3; plus strand). Cytogenetic location: 1q44.
Variant type: single nucleotide variant.
Coding change: c.3006-2A>G on transcript NM_001243133.2 (MANE Select); the canonical splice acceptor site of the intron before coding-DNA position 3006, A replaced by G.
Molecular consequence: splice acceptor variant.
Genome position (GRCh38, 1-based): chr1:247,448,403, A>G. VCF-style: chr1-247448403-A-G. GRCh37 (hg19) VCF-style: chr1-247611705-A-G.
Other names: c.3012-2A>G (NM_004895.5); c.2835-2A>G (NM_001127461.3, NM_001127462.3); c.2664-2A>G (NM_183395.3); c.3006-2A>G (NM_001079821.3).
Identifiers: ClinVar variation 3769952 (VCV003769952.2).
Genomic context (GRCh38, chr1:247,448,403, plus strand): 5'-GTTAACGACTCTGACAGAGTTATCTGAAGAGTGCAACCCAGGCTTTCTATTTGCTTTTAC[A>G]GGTTGTCTGAAATGTATTTCAATTATGAGACAAAAAGTGCGTTAGAAACACTTCAAGAAG-3'

ClinVar aggregate classification (germline): Uncertain significance (1 of 4 stars; one submission).

Submission:

GeneDx
Classification: Uncertain significance. Last evaluated: 2025-08-05. Review status: criteria provided, single submitter. Criteria: GeneDx Variant Classification Process June 2021. Collection method: clinical testing. Allele origin: germline.
Comment: Canonical splice site variant in a gene for which loss-of-function is not an established mechanism of disease; Not observed at significant frequency in large population cohorts (gnomAD); Has not been previously published as pathogenic or benign to our knowledge